The following is an entry in ClinVar:

ClinVar aggregate classification (germline): Benign/Likely benign. Review status: criteria provided, multiple submitters, no conflicts (2 of 4 stars). 6 submissions from 6 submitters: Benign (5); Likely benign (1). Last evaluated 2026-02-03.

Conditions:
Hypertrophic cardiomyopathy. Also called: HYPERTROPHIC MYOCARDIOPATHY. Identifiers: Orphanet 217569, MedGen C0007194, MeSH D002312, MONDO:0005045, HP:0001639.
Primary dilated cardiomyopathy (DCM). Also called: Dilated Cardiomyopathy. Identifiers: Orphanet 217604, MedGen C0007193, MeSH D002311, MONDO:0005021, HP:0001644. Inheritance: Various modes of inheritance.

Allele frequency attached by ClinVar (database versions not stated): 1000 Genomes Project 0.03055; TOPMed 0.03404; ESP Exome Variant Server 0.03606; gnomAD exomes 0.00793 and 0.00285; ExAC 0.00975; gnomAD 0.02917 and 0.03158; 1000 Genomes Project 30x 0.03170.
gnomAD v4.1: 8,798 of 1,605,846 alleles (0.55%); highest among the groups gnomAD compares: African/African-American, 10%; 408 homozygotes.

Submissions (6):

Labcorp Genetics (formerly Invitae), Labcorp
Classification: Benign for Hypertrophic cardiomyopathy; Primary dilated cardiomyopathy. Last evaluated: 2026-02-03. Review status: criteria provided, single submitter. Criteria: Invitae Variant Classification Sherloc (09022015). Collection method: clinical testing. Allele origin: germline.

Women's Health and Genetics/Laboratory Corporation of America, LabCorp
Classification: Benign. Last evaluated: 2023-04-17. Review status: criteria provided, single submitter. Criteria: LabCorp Variant Classification Summary - May 2015. Collection method: clinical testing. Allele origin: germline.

Ambry Genetics
Classification: Likely benign. Last evaluated: 2022-05-17. Review status: criteria provided, single submitter. Criteria: Ambry Variant Classification Scheme 2023. Collection method: clinical testing. Allele origin: germline.

Laboratory for Molecular Medicine, Mass General Brigham Personalized Medicine
Classification: Benign. Last evaluated: 2014-11-24. Review status: criteria provided, single submitter. Criteria: LMM Criteria. Collection method: clinical testing. Allele origin: germline. Observed: 10 variant alleles.
Comment: Ser226Ser in exon 6 of PDLIM3: This variant is not expected to have clinical sig nificance because it does not alter an amino acid residue and is not located wit hin the splice consensus sequence. It has been identified in 10.6% (467/4406) of African American chromosomes from a broad population by the NHLBI Exome Sequenc ing Project (dbSNP rs34943562).

GeneDx
Classification: Benign. Last evaluated: 2014-07-14. Review status: criteria provided, single submitter. Criteria: GeneDx Variant Classification (06012015). Collection method: clinical testing. Allele origin: germline. Affected: yes.
Comment: This variant is considered likely benign or benign based on one or more of the following criteria: it is a conservative change, it occurs at a poorly conserved position in the protein, it is predicted to be benign by multiple in silico algorithms, and/or has population frequency not consistent with disease.

Breakthrough Genomics
Classification: Benign. Review status: criteria provided, single submitter. Criteria: ACMG Guidelines, 2015. Collection method: not provided. Allele origin: germline. Inheritance: Unknown mechanism. Affected: yes.

NM_014476.6(PDLIM3):c.678G>A (p.Ser226=)

Gene: PDLIM3 (PDZ and LIM domain 3; minus strand). Cytogenetic location: 4q35.1.
Variant type: single nucleotide variant.
Coding change: c.678G>A on transcript NM_014476.6 (MANE Select); coding-DNA position 678, G replaced by A.
Protein change: p.Ser226=; no amino-acid change (serine 226 retained).
Molecular consequence: synonymous variant. On other transcripts: non-coding transcript variant (1).
Genome position (GRCh38, 1-based): chr4:185,506,637, C>T on the plus strand (G>A on the coding strand, the complement: PDLIM3 is on the minus strand). VCF-style: chr4-185506637-C-T. GRCh37 (hg19) VCF-style: chr4-186427791-C-T.
Other names: p.S226S:TCG>TCA; c.534G>A, p.Ser178= (NM_001114107.5); c.414G>A, p.Ser138= (NM_001257962.2); c.177G>A, p.Ser59= (NM_001257963.2).
Identifiers: ClinVar variation 138671 (VCV000138671.23), dbSNP rs34943562, ClinGen allele CA333137.